The following is an entry in ClinVar:

ClinVar aggregate classification (germline): Uncertain significance. Review status: criteria provided, multiple submitters, no conflicts (2 of 4 stars). 2 submissions from 2 submitters: Uncertain significance (2). Last evaluated 2024-11-11.

Conditions:
Inborn genetic diseases. Identifiers: MedGen C0950123, MeSH D030342.

gnomAD v4.1: 15 of 1,527,814 alleles (0.00098%); highest among the groups gnomAD compares: African/African-American, 0.0014%; no homozygotes.

Submissions (2):

Ambry Genetics
Classification: Uncertain significance for Inborn genetic diseases. Last evaluated: 2024-11-11. Review status: criteria provided, single submitter. Criteria: Ambry Variant Classification Scheme 2023. Collection method: clinical testing. Allele origin: germline.

Labcorp Genetics (formerly Invitae), Labcorp
Classification: Uncertain significance. Last evaluated: 2024-06-12. Review status: criteria provided, single submitter. Criteria: Invitae Variant Classification Sherloc (09022015). Collection method: clinical testing. Allele origin: germline.
Comment: This sequence change replaces alanine, which is neutral and non-polar, with serine, which is neutral and polar, at codon 35 of the TBX4 protein (p.Ala35Ser). This variant is present in population databases (rs765299000, gnomAD 0.01%). This missense change has been observed in individual(s) with pulmonary arterial hypertension (Invitae). Advanced modeling of protein sequence and biophysical properties (such as structural, functional, and spatial information, amino acid conservation, physicochemical variation, residue mobility, and thermodynamic stability) performed at Invitae indicates that this missense variant is not expected to disrupt TBX4 protein function with a negative predictive value of 95%. In summary, the available evidence is currently insufficient to determine the role of this variant in disease. Therefore, it has been classified as a Variant of Uncertain Significance.

NM_001321120.2(TBX4):c.103G>T (p.Ala35Ser)

Gene: TBX4 (T-box transcription factor 4; plus strand). Cytogenetic location: 17q23.2.
Variant type: single nucleotide variant.
Coding change: c.103G>T on transcript NM_001321120.2 (MANE Select); coding-DNA position 103, G replaced by T.
Protein change: p.Ala35Ser; replaces alanine 35 with serine.
Molecular consequence: missense variant.
Genome position (GRCh38, 1-based): chr17:61,456,593, G>T. VCF-style: chr17-61456593-G-T. GRCh37 (hg19) VCF-style: chr17-59533954-G-T.
Other names: c.103G>T, p.Ala35Ser (NM_018488.3); short protein forms A35S.
Identifiers: ClinVar variation 3453906 (VCV003453906.3).